The following is an entry in ClinVar:

NM_001161352.2(KCNMA1):c.419G>T (p.Gly140Val)

Gene: KCNMA1 (potassium calcium-activated channel subfamily M alpha 1; minus strand). Cytogenetic location: 10q22.3.
Variant type: single nucleotide variant.
Coding change: c.419G>T on transcript NM_001161352.2 (MANE Select); coding-DNA position 419, G replaced by T.
Protein change: p.Gly140Val; replaces glycine 140 with valine.
Molecular consequence: missense variant. On other transcripts: intron variant (1).
Genome position (GRCh38, 1-based): chr10:77,403,983, C>A on the plus strand (G>T on the coding strand, the complement: KCNMA1 is on the minus strand). VCF-style: chr10-77403983-C-A. GRCh37 (hg19) VCF-style: chr10-79163741-C-A.
Other names: c.419G>T, p.Gly140Val (NM_001014797.3, NM_001161353.2, NM_001271519.2 and 7 more transcripts); c.379-152727G>T (NM_001271518.2); short protein forms G140V.
Identifiers: ClinVar variation 1368494 (VCV001368494.8), dbSNP rs1566617381, ClinGen allele CA377411178.

ClinVar aggregate classification (germline): Uncertain significance (1 of 4 stars; one submission).

Conditions:
Generalized epilepsy-paroxysmal dyskinesia syndrome (PNKD3). Also called: Generalized epilepsy and paroxysmal dyskinesia; Paroxysmal nonkinesigenic dyskinesia, 3, with or without generalized epilepsy. Identifiers: Orphanet 79137, MedGen C5574945, MONDO:0012276, OMIM 609446.

Submission:

Labcorp Genetics (formerly Invitae), Labcorp
Classification: Uncertain significance for Generalized epilepsy-paroxysmal dyskinesia syndrome. Last evaluated: 2021-07-18. Review status: criteria provided, single submitter. Criteria: Invitae Variant Classification Sherloc (09022015). Collection method: clinical testing. Allele origin: germline.
Comment: In summary, the available evidence is currently insufficient to determine the role of this variant in disease. Therefore, it has been classified as a Variant of Uncertain Significance. Algorithms developed to predict the effect of missense changes on protein structure and function are either unavailable or do not agree on the potential impact of this missense change (SIFT: "Deleterious"; PolyPhen-2: "Possibly Damaging"; Align-GVGD: "Class C0"). This variant has not been reported in the literature in individuals affected with KCNMA1-related conditions. This variant is not present in population databases (ExAC no frequency). This sequence change replaces glycine with valine at codon 140 of the KCNMA1 protein (p.Gly140Val). The glycine residue is moderately conserved and there is a moderate physicochemical difference between glycine and valine.